The following is an entry in ClinVar:

NM_031892.3(SH3KBP1):c.1575A>C (p.Arg525Ser)

Gene: SH3KBP1 (SH3 domain containing kinase binding protein 1; minus strand). Cytogenetic location: Xp22.12.
Variant type: single nucleotide variant.
Coding change: c.1575A>C on transcript NM_031892.3 (MANE Select); coding-DNA position 1575, A replaced by C.
Protein change: p.Arg525Ser; replaces arginine 525 with serine.
Molecular consequence: missense variant. On other transcripts: intron variant (7).
Genome position (GRCh38, 1-based): chrX:19,545,970, T>G on the plus strand (A>C on the coding strand, the complement: SH3KBP1 is on the minus strand). VCF-style: chrX-19545970-T-G. GRCh37 (hg19) VCF-style: chrX-19564088-T-G.
Other names: c.1464A>C, p.Arg488Ser (NM_001024666.3); c.861A>C, p.Arg287Ser (NM_001184960.2); c.1650A>C, p.Arg550Ser (NM_001353891.2); c.1473A>C, p.Arg491Ser (NM_001353893.2); c.1707A>C, p.Arg569Ser (NM_001410756.1); c.1495-3777A>C (NM_001353890.2); c.1570-3777A>C (NM_001353892.2); c.1627-3777A>C (NM_001410757.1); and 4 more; short protein forms R488S, R550S, R569S, R287S, R491S, R525S.
Identifiers: ClinVar variation 2817372 (VCV002817372.3), dbSNP rs1569269422, ClinGen allele CA412496380.

ClinVar aggregate classification (germline): Uncertain significance (1 of 4 stars; one submission).

Submission:

Labcorp Genetics (formerly Invitae), Labcorp
Classification: Uncertain significance. Last evaluated: 2022-11-29. Review status: criteria provided, single submitter. Criteria: Invitae Variant Classification Sherloc (09022015). Collection method: clinical testing. Allele origin: germline.
Comment: This sequence change replaces arginine, which is basic and polar, with serine, which is neutral and polar, at codon 525 of the SH3KBP1 protein (p.Arg525Ser). This variant is not present in population databases (gnomAD no frequency). This variant has not been reported in the literature in individuals affected with SH3KBP1-related conditions. Advanced modeling of protein sequence and biophysical properties (such as structural, functional, and spatial information, amino acid conservation, physicochemical variation, residue mobility, and thermodynamic stability) performed at Invitae indicates that this missense variant is not expected to disrupt SH3KBP1 protein function. In summary, the available evidence is currently insufficient to determine the role of this variant in disease. Therefore, it has been classified as a Variant of Uncertain Significance.